The following is an entry in ClinVar:

NM_013444.4(UBQLN2):c.391A>G (p.Ser131Gly)

Gene: UBQLN2 (ubiquilin 2; plus strand). Cytogenetic location: Xp11.21.
Variant type: single nucleotide variant.
Coding change: c.391A>G on transcript NM_013444.4 (MANE Select); coding-DNA position 391, A replaced by G.
Protein change: p.Ser131Gly; replaces serine 131 with glycine.
Molecular consequence: missense variant.
Genome position (GRCh38, 1-based): chrX:56,564,264, A>G. VCF-style: chrX-56564264-A-G. GRCh37 (hg19) VCF-style: chrX-56590697-A-G.
Other names: short protein forms S131G.
Identifiers: ClinVar variation 4882307 (VCV004882307.2).

ClinVar aggregate classification (germline): Uncertain significance (1 of 4 stars; one submission).

Submission:

Dasa
Classification: Uncertain significance. Last evaluated: 2026-04-13. Review status: criteria provided, single submitter. Criteria: DASA Assertion Criteria. Collection method: clinical testing. Allele origin: germline.
Comment: NM_013444.4(UBQLN2):c.391A>G (p.Ser131Gly) is a missense variant that results in the substitution of serine with glycine. This variant is rare in population databases. The currently available literature and clinical evidence are not sufficient to establish a definitive association between this variant and the reported condition. Therefore, this variant is classified as a variant of uncertain significance.